The following is an entry in ClinVar:

NM_206933.4(USH2A):c.3086G>T (p.Gly1029Val)

Genes: USH2A (usherin; minus strand), USH2A-AS1 (USH2A antisense RNA 1; plus strand). Cytogenetic location: 1q41.
Variant type: single nucleotide variant.
Coding change: c.3086G>T on transcript NM_206933.4 (MANE Select); coding-DNA position 3086, G replaced by T.
Protein change: p.Gly1029Val; replaces glycine 1029 with valine.
Molecular consequence: missense variant.
Genome position (GRCh38, 1-based): chr1:216,217,458, C>A on the plus strand (G>T on the coding strand, the complement: USH2A is on the minus strand). VCF-style: chr1-216217458-C-A. GRCh37 (hg19) VCF-style: chr1-216390800-C-A.
Other names: c.3086G>T, p.Gly1029Val (NM_007123.6); short protein forms G1029V.
Identifiers: ClinVar variation 552518 (VCV000552518.12), dbSNP rs768158580, ClinGen allele CA1396092.

ClinVar aggregate classification (germline): Uncertain significance. Review status: criteria provided, multiple submitters, no conflicts (2 of 4 stars). 7 submissions from 6 submitters: Uncertain significance (6). 1 of the submissions does not count toward it. Last evaluated 2025-12-30.

Conditions:
Usher syndrome type 2A. Also called: RETINAL DISEASE IN USHER SYNDROME TYPE IIA, MODIFIER OF; USHER SYNDROME, TYPE IIA. Identifiers: Orphanet 231178, Orphanet 886, MedGen C1848634, MONDO:0010169, OMIM 276901.
Retinitis pigmentosa 39 (RP39). Identifiers: Orphanet 791, MedGen C3151138, MONDO:0013436, OMIM 613809.
Retinal dystrophy. Also called: Inherited retinal dystrophy. Identifiers: Orphanet 71862, MedGen C0854723, MeSH D058499, MONDO:0019118, HP:0000556.

Allele frequency attached by ClinVar (database versions not stated): gnomAD exomes 0.00001 and 0.00002; ExAC 0.00002.
gnomAD v4.1: 21 of 1,613,280 alleles (0.0013%); highest among the groups gnomAD compares: Non-Finnish European, 0.0018%; 1 homozygote.

Submissions (7):

Labcorp Genetics (formerly Invitae), Labcorp
Classification: Uncertain significance. Last evaluated: 2025-12-30. Review status: criteria provided, single submitter. Criteria: Invitae Variant Classification Sherloc (09022015). Collection method: clinical testing. Allele origin: germline.
Comment: This sequence change replaces glycine, which is neutral and non-polar, with valine, which is neutral and non-polar, at codon 1029 of the USH2A protein (p.Gly1029Val). This variant is present in population databases (rs768158580, gnomAD 0.005%), including at least one homozygous and/or hemizygous individual. This missense change has been observed in individual(s) with Usher syndrome (PMID: 24265693). ClinVar contains an entry for this variant (Variation ID: 552518). Invitae Evidence Modeling of protein sequence and biophysical properties (such as structural, functional, and spatial information, amino acid conservation, physicochemical variation, residue mobility, and thermodynamic stability) indicates that this missense variant is expected to disrupt USH2A protein function with a positive predictive value of 95%. In summary, the available evidence is currently insufficient to determine the role of this variant in disease. Therefore, it has been classified as a Variant of Uncertain Significance.

Genome-Nilou Lab
Classification: Uncertain significance for Retinitis pigmentosa 39. Last evaluated: 2023-11-04. Review status: criteria provided, single submitter. Criteria: ACMG Guidelines, 2015. Collection method: clinical testing. Allele origin: germline. Affected: no.

Genome-Nilou Lab
Classification: Uncertain significance for Usher syndrome type 2A. Last evaluated: 2023-11-04. Review status: criteria provided, single submitter. Criteria: ACMG Guidelines, 2015. Collection method: clinical testing. Allele origin: germline. Affected: no.

Blueprint Genetics
Classification: Uncertain significance. Last evaluated: 2022-06-13. Review status: criteria provided, single submitter. Criteria: ACMG Guidelines, 2015. Collection method: clinical testing. Allele origin: germline.

Centre of Medical Genetics, University Hospital Muenster
Classification: Uncertain significance for Retinitis pigmentosa 39. Last evaluated: 2022-02-17. Review status: criteria provided, single submitter. Criteria: ACMG Guidelines, 2015. Collection method: clinical testing. Allele origin: germline. Affected: yes. Observed: 1 variant allele, 1 heterozygote.
Comment: ACMG categories: PM2,PP3

Institute of Human Genetics, Univ. Regensburg, Univ. Regensburg
Classification: Uncertain significance for Retinal dystrophy. Last evaluated: 2021-01-01. Review status: criteria provided, single submitter. Criteria: ACMG Guidelines, 2015. Collection method: clinical testing. Allele origin: germline. Affected: yes.

Counsyl
Classification: Uncertain significance for Usher syndrome type 2A; Retinitis pigmentosa 39. Last evaluated: 2017-06-20. Review status: no assertion criteria provided. Collection method: clinical testing. Allele origin: unknown. Not counted in ClinVar's aggregate classification.

Literature cited by the submitters: PubMed 24265693 (cited by 3 submitters).